The following is an entry in ClinVar:

ClinVar aggregate classification (germline): Likely benign. Review status: criteria provided, multiple submitters, no conflicts (2 of 4 stars). 2 submissions from 2 submitters: Likely benign (2). Last evaluated 2023-03-01.

Allele frequency attached by ClinVar (database versions not stated): ExAC 0.00005; ESP Exome Variant Server 0.00008; TOPMed 0.00008; gnomAD 0.00011.

Submissions (2):

CeGaT Center for Human Genetics Tuebingen
Classification: Likely benign. Last evaluated: 2023-03-01. Review status: criteria provided, single submitter. Criteria: CeGaT Center For Human Genetics Tuebingen Variant Classification Criteria Version 2. Collection method: clinical testing. Allele origin: germline. Affected: yes. Observed: 1 variant allele.
Comment: AHNAK2: BP4, BP7

Breakthrough Genomics
Classification: Likely benign. Review status: criteria provided, single submitter. Criteria: ACMG Guidelines, 2015. Collection method: not provided. Allele origin: germline. Inheritance: Unknown mechanism. Affected: yes.

NM_138420.4(AHNAK2):c.2109G>A (p.Pro703=)

Gene: AHNAK2 (AHNAK nucleoprotein 2; minus strand). Cytogenetic location: 14q32.33.
Variant type: single nucleotide variant.
Coding change: c.2109G>A on transcript NM_138420.4 (MANE Select); coding-DNA position 2109, G replaced by A.
Protein change: p.Pro703=; no amino-acid change (proline 703 retained).
Molecular consequence: synonymous variant.
Genome position (GRCh38, 1-based): chr14:104,953,342, C>T on the plus strand (G>A on the coding strand, the complement: AHNAK2 is on the minus strand). VCF-style: chr14-104953342-C-T. GRCh37 (hg19) VCF-style: chr14-105419679-C-T.
Other names: c.1809G>A, p.Pro603= (NM_001350929.2).
Identifiers: ClinVar variation 2644886 (VCV002644886.25), dbSNP rs367654364, ClinGen allele CA7383637.
Genomic context (GRCh38, chr14:104,953,342, plus strand): 5'-GAGGTCAGTGGTCTTGAGGTCCCCCTGCATGGAGAGGAGGCTCACGTCGGCCTCCACCTT[C>T]GGCGCAGACACATCCACCGAGGCCTCCATGGACTTGCCTGGGGCTGACGCCCCGAACAAT-3'
Protein context (NP_612429.2, residues 693-713): SMEASVDVSA[Pro703=]KVEADVSLLS